The following is an entry in ClinVar:

ClinVar aggregate classification (germline): Uncertain significance (1 of 4 stars; one submission).

Conditions:
Chuvash polycythemia. Also called: POLYCYTHEMIA, VHL-DEPENDENT. Identifiers: Orphanet 238557, MedGen C1837915, MONDO:0009892, OMIM 263400.
Von Hippel-Lindau syndrome (VHLS). Also called: VHL syndrome; von Hippel–Lindau syndrome; Von Hippel-Lindau. Identifiers: Orphanet 892, MedGen C0019562, MONDO:0008667, OMIM 193300. Disease mechanism: loss of function.

Submission:

Labcorp Genetics (formerly Invitae), Labcorp
Classification: Uncertain significance for Von Hippel-Lindau syndrome; Chuvash polycythemia. Last evaluated: 2024-05-06. Review status: criteria provided, single submitter. Criteria: Invitae Variant Classification Sherloc (09022015). Collection method: clinical testing. Allele origin: germline.
Comment: This sequence change falls in intron 1 of the VHL gene. It is not expected to change the encoded amino acid sequence of the VHL protein. However, this sequence change falls within a cryptic exon in the VHL gene, known as exon E1’, which is naturally expressed at low levels in several human tissues (PMID: 29891534). This variant is not present in population databases (gnomAD no frequency). This variant has not been reported in the literature in individuals affected with VHL-related conditions. Algorithms developed to predict the effect of sequence changes on RNA splicing suggest that this variant may create or strengthen a splice site. In summary, the available evidence is currently insufficient to determine the role of this variant in disease. Therefore, it has been classified as a Variant of Uncertain Significance.

Literature cited by the submitters: PubMed 29891534.

NM_000551.4(VHL):c.340+594G>A

Genes: VHL (von Hippel-Lindau tumor suppressor; plus strand), LOC107303340 (3p25 von Hippel-Lindau tumor suppressor, E3 ubiquitin protein ligase Alu-mediated recombination region; plus strand). Cytogenetic location: 3p25.3.
Variant type: single nucleotide variant.
Coding change: c.340+594G>A on transcript NM_000551.4 (MANE Select); 594 bases into the intron after coding-DNA position 340, G replaced by A.
Molecular consequence: intron variant. On other transcripts: missense variant (1), non-coding transcript variant (1).
Genome position (GRCh38, 1-based): chr3:10,142,781, G>A. VCF-style: chr3-10142781-G-A. GRCh37 (hg19) VCF-style: chr3-10184465-G-A.
Other names: c.359G>A, p.Gly120Asp (NM_001354723.2); c.340+594G>A (NM_198156.3); short protein forms G120D.
Identifiers: ClinVar variation 3752099 (VCV003752099.2).
Genomic context (GRCh38, chr3:10,142,781, plus strand): 5'-CCCTCAAAGAAAAGCTGCATCCTTAACACCCCATCTGTTCAGTCCTCATGACTCCAGTGG[G>A]CCAGTTCTGCGTAGTCCCTGCCCTCGTGGAGAACACATTCCTCCTGGGGAGACTGACAGA-3'